The following is an entry in ClinVar:

ClinVar aggregate classification (germline): Uncertain significance. Review status: criteria provided, multiple submitters, no conflicts (2 of 4 stars). 2 submissions from 2 submitters: Uncertain significance (2). Last evaluated 2024-04-11.

Conditions:
Inborn genetic diseases. Identifiers: MedGen C0950123, MeSH D030342.

gnomAD v4.1: 20 of 1,613,694 alleles (0.0012%); highest among the groups gnomAD compares: South Asian, 0.019%; no homozygotes.

Submissions (2):

GeneDx
Classification: Uncertain significance. Last evaluated: 2024-04-11. Review status: criteria provided, single submitter. Criteria: GeneDx Variant Classification Process June 2021. Collection method: clinical testing. Allele origin: germline. Affected: yes.
Comment: In silico analysis indicates that this missense variant does not alter protein structure/function; Has not been previously published as pathogenic or benign to our knowledge

Ambry Genetics
Classification: Uncertain significance for Inborn genetic diseases. Last evaluated: 2019-09-04. Review status: criteria provided, single submitter. Criteria: Ambry Variant Classification Scheme 2023. Collection method: clinical testing. Allele origin: germline.
Comment: The p.A2596P variant (also known as c.7786G>C), located in coding exon 24 of the SETX gene, results from a G to C substitution at nucleotide position 7786. The alanine at codon 2596 is replaced by proline, an amino acid with highly similar properties. This amino acid position is poorly conserved in available vertebrate species. In addition, this alteration is predicted to be tolerated by in silico analysis. Since supporting evidence is limited at this time, the clinical significance of this alteration remains unclear.

NM_015046.7(SETX):c.7786G>C (p.Ala2596Pro)

Gene: SETX (senataxin; minus strand). Cytogenetic location: 9q34.13.
Variant type: single nucleotide variant.
Coding change: c.7786G>C on transcript NM_015046.7 (MANE Select); coding-DNA position 7786, G replaced by C.
Protein change: p.Ala2596Pro; replaces alanine 2596 with proline.
Molecular consequence: missense variant.
Genome position (GRCh38, 1-based): chr9:132,264,487, C>G on the plus strand (G>C on the coding strand, the complement: SETX is on the minus strand). VCF-style: chr9-132264487-C-G. GRCh37 (hg19) VCF-style: chr9-135139874-C-G.
Other names: c.7786G>C, p.Ala2596Pro (NM_001351527.2); c.7873G>C, p.Ala2625Pro (NM_001351528.2); short protein forms A2596P, A2625P.
Identifiers: ClinVar variation 1760619 (VCV001760619.3), dbSNP rs200287592, ClinGen allele CA5296326.